The following is an entry in ClinVar:

NM_021193.4(HOXD12):c.512A>G (p.Asn171Ser)

Gene: HOXD12 (homeobox D12; plus strand). Cytogenetic location: 2q31.1.
Variant type: single nucleotide variant.
Coding change: c.512A>G on transcript NM_021193.4 (MANE Select); coding-DNA position 512, A replaced by G.
Protein change: p.Asn171Ser; replaces asparagine 171 with serine.
Molecular consequence: missense variant.
Genome position (GRCh38, 1-based): chr2:176,100,313, A>G. VCF-style: chr2-176100313-A-G. GRCh37 (hg19) VCF-style: chr2-176965041-A-G.
Other names: short protein forms N171S.
Identifiers: ClinVar variation 4533262 (VCV004533262.1).

ClinVar aggregate classification (germline): Uncertain significance (1 of 4 stars; one submission).

Conditions:
Synpolydactyly. Also called: Syndactyly type 2. Identifiers: Orphanet 93403, MedGen C2699746, MONDO:0021651.

Submission:

Center for Statistical Genetics, Columbia University
Classification: Uncertain significance for Synpolydactyly. Last evaluated: 2025-11-11. Review status: criteria provided, single submitter. Criteria: ACMG Guidelines, 2015. Collection method: research. Allele origin: germline. Inheritance: Autosomal dominant inheritance. Affected: yes. Observed: 3 variant alleles, 3 heterozygotes.
Comment: The missense variant c.512A>G is present in extremely low frequency in population databases. The variant was observed in heterozygous state in a family with individuals affected with synpolydactyly segregating in an autosomal dominant manner. The variant was classified as variant of uncertain significance based on the ACMG/AMP criteria, using the evidence PP1 and PM2.